The following is an entry in ClinVar:

NM_000824.5(GLRB):c.*997A>T

Gene: GLRB (glycine receptor beta; plus strand). Cytogenetic location: 4q32.1.
Variant type: single nucleotide variant.
Coding change: c.*997A>T on transcript NM_000824.5 (MANE Select); 997 bases downstream of the stop codon, A replaced by T.
Molecular consequence: 3 prime UTR variant.
Genome position (GRCh38, 1-based): chr4:157,171,725, A>T. VCF-style: chr4-157171725-A-T. GRCh37 (hg19) VCF-style: chr4-158092877-A-T.
Other names: NC_000004.11:g.158092877A>T; c.*997A>T (NM_001166060.2); c.*1286A>T (NM_001166061.2).
Identifiers: ClinVar variation 900185 (VCV000900185.5), dbSNP rs11941412, ClinGen allele CA109167902.

ClinVar aggregate classification (germline): Benign (1 of 4 stars; one submission).

Conditions:
Hyperekplexia 2 (HKPX2). Identifiers: Orphanet 3197, MedGen C3553291, MONDO:0013828, OMIM 614619.

Allele frequency attached by ClinVar (database versions not stated): 1000 Genomes Project 0.00160; gnomAD 0.00178 and 0.00192; TOPMed 0.00190.
gnomAD v4.1: 268 of 151,596 alleles (0.18%); highest among the groups gnomAD compares: African/African-American, 0.63%; no homozygotes.

Submissions (2):

Illumina Laboratory Services, Illumina
Classification: Benign for Hyperekplexia 2. Last evaluated: 2018-01-13. Review status: criteria provided, single submitter. Criteria: ICSL Variant Classification Criteria 13 December 2019. Collection method: clinical testing. Allele origin: germline.
Comment: This variant was observed in the ICSL laboratory as part of a predisposition screen in an ostensibly healthy population. It had not been previously curated by ICSL or reported in the Human Gene Mutation Database (HGMD: prior to June 1st, 2018), and was therefore a candidate for classification through an automated scoring system. Utilizing variant allele frequency, disease prevalence and penetrance estimates, and inheritance mode, an automated score was calculated to assess if this variant is too frequent to cause the disease. Based on the score and internal cut-off values, a variant classified as benign is not then subjected to further curation. The score for this variant resulted in a classification of benign for this disease.

Dr. Peter K. Rogan Lab, Western University
No classification provided (evidence only). Condition: Uterine corpus endometrial carcinoma. Review status: no classification provided. Collection method: in vitro. Allele origin: not applicable. Functional consequence: retained intron. Not counted in ClinVar's aggregate classification.